The following is an entry in ClinVar:

ClinVar aggregate classification (germline): Uncertain significance. Review status: criteria provided, single submitter (1 of 4 stars). 2 submissions from 2 submitters: Uncertain significance (1). 1 of the submissions does not count toward it. Last evaluated 2022-03-07.

Conditions:
NEK1-related disorder. Also called: NEK1-related condition.

Allele frequency attached by ClinVar (database versions not stated): TOPMed below 0.00001; gnomAD 0.00001; gnomAD exomes 0.00003; ExAC 0.00008.
gnomAD v4.1: 43 of 1,607,014 alleles (0.0027%); highest among the groups gnomAD compares: South Asian, 0.048%; 1 homozygote.

Submissions (2):

GeneDx
Classification: Uncertain significance. Last evaluated: 2022-03-07. Review status: criteria provided, single submitter. Criteria: GeneDx Variant Classification Process June 2021. Collection method: clinical testing. Allele origin: germline. Affected: yes.
Comment: In silico analysis supports that this missense variant does not alter protein structure/function; Has not been previously published as pathogenic or benign to our knowledge

PreventionGenetics, part of Exact Sciences
Classification: Uncertain significance for NEK1-related condition. Last evaluated: 2024-07-07. Review status: no assertion criteria provided. Collection method: clinical testing. Allele origin: germline. Not counted in ClinVar's aggregate classification.
Comment: The NEK1 c.2075C>T variant is predicted to result in the amino acid substitution p.Thr692Ile. To our knowledge, this variant has not been reported in the literature. This variant is reported in 0.050% of alleles in individuals of South Asian descent in gnomAD. At this time, the clinical significance of this variant is uncertain due to the absence of conclusive functional and genetic evidence.

NM_001199397.3(NEK1):c.2159C>T (p.Thr720Ile)

Gene: NEK1 (NIMA related kinase 1; minus strand). Cytogenetic location: 4q33.
Variant type: single nucleotide variant.
Coding change: c.2159C>T on transcript NM_001199397.3 (MANE Select); coding-DNA position 2159, C replaced by T.
Protein change: p.Thr720Ile; replaces threonine 720 with isoleucine.
Molecular consequence: missense variant. On other transcripts: non-coding transcript variant (1).
Genome position (GRCh38, 1-based): chr4:169,477,478, G>A on the plus strand (C>T on the coding strand, the complement: NEK1 is on the minus strand). VCF-style: chr4-169477478-G-A. GRCh37 (hg19) VCF-style: chr4-170398629-G-A.
Other names: c.2027C>T, p.Thr676Ile (NM_001199398.3); c.1868C>T, p.Thr623Ile (NM_001199399.3); c.1943C>T, p.Thr648Ile (NM_001199400.3); c.2159C>T, p.Thr720Ile (NM_001374418.1); c.2075C>T, p.Thr692Ile (NM_001374419.1, NM_012224.4); c.2024C>T, p.Thr675Ile (NM_001374420.1); c.1853C>T, p.Thr618Ile (NM_001374421.1); short protein forms T618I, T623I, T648I, T675I, T676I, T692I, T720I.
Identifiers: ClinVar variation 1704704 (VCV001704704.3), dbSNP rs759120559, ClinGen allele CA3137488.